The following is an entry in ClinVar:

ClinVar aggregate classification (germline): Uncertain significance. Review status: criteria provided, multiple submitters, no conflicts (2 of 4 stars). 2 submissions from 2 submitters: Uncertain significance (2). Last evaluated 2024-12-19.

Conditions:
Inborn genetic diseases. Identifiers: MedGen C0950123, MeSH D030342.
Fanconi anemia (FA). Also called: Fanconi's anemia. Identifiers: Orphanet 84, MedGen C0015625, MeSH D005199, MONDO:0019391.

Allele frequency attached by ClinVar (database versions not stated): gnomAD exomes below 0.00001.
gnomAD v4.1: 2 of 1,613,612 alleles (0.00012%); highest among the groups gnomAD compares: Non-Finnish European, 0.00017%; no homozygotes.

Submissions (2):

Ambry Genetics
Classification: Uncertain significance for Inborn genetic diseases. Last evaluated: 2024-12-19. Review status: criteria provided, single submitter. Criteria: Ambry Variant Classification Scheme 2023. Collection method: clinical testing. Allele origin: germline.
Comment: The p.S957P variant (also known as c.2869T>C), located in coding exon 14 of the FANCM gene, results from a T to C substitution at nucleotide position 2869. The serine at codon 957 is replaced by proline, an amino acid with similar properties. This amino acid position is conserved. In addition, this alteration is predicted to be tolerated by in silico analysis. Based on the available evidence, the clinical significance of this variant remains unclear.

Labcorp Genetics (formerly Invitae), Labcorp
Classification: Uncertain significance for Fanconi anemia. Last evaluated: 2023-07-10. Review status: criteria provided, single submitter. Criteria: Invitae Variant Classification Sherloc (09022015). Collection method: clinical testing. Allele origin: germline.
Comment: In summary, the available evidence is currently insufficient to determine the role of this variant in disease. Therefore, it has been classified as a Variant of Uncertain Significance. An algorithm developed to predict the effect of missense changes on protein structure and function (PolyPhen-2) suggests that this variant is likely to be disruptive. ClinVar contains an entry for this variant (Variation ID: 1037369). This variant has not been reported in the literature in individuals affected with FANCM-related conditions. This variant is not present in population databases (gnomAD no frequency). This sequence change replaces serine, which is neutral and polar, with proline, which is neutral and non-polar, at codon 957 of the FANCM protein (p.Ser957Pro).

NM_020937.4(FANCM):c.2869T>C (p.Ser957Pro)

Gene: FANCM (FA complementation group M; plus strand). Cytogenetic location: 14q21.2.
Variant type: single nucleotide variant.
Coding change: c.2869T>C on transcript NM_020937.4 (MANE Select); coding-DNA position 2869, T replaced by C.
Protein change: p.Ser957Pro; replaces serine 957 with proline.
Molecular consequence: missense variant.
Genome position (GRCh38, 1-based): chr14:45,175,623, T>C. VCF-style: chr14-45175623-T-C. GRCh37 (hg19) VCF-style: chr14-45644826-T-C.
Other names: c.2791T>C, p.Ser931Pro (NM_001308133.2); c.2869T>C (NM_020937.2); short protein forms S931P, S957P.
Identifiers: ClinVar variation 1037369 (VCV001037369.9), dbSNP rs1888628299, ClinGen allele CA389599357.